The following is an entry in ClinVar:

ClinVar aggregate classification (germline): other (0 of 4 stars; one submission).

Conditions:
Familial colorectal cancer. Identifiers: MedGen CN280943, MONDO:0023113. Disease mechanism: loss of function.

Submission:

Systems Biology Platform Zhejiang California International NanoSystems Institute
Classification: other for Familial colorectal cancer. Review status: no assertion criteria provided. Collection method: not provided. Allele origin: unknown.
ClinVar note: Converted during submission from cancer to other.

NM_000038.6(APC):c.645+1468C>A

Gene: APC (APC regulator of WNT signaling pathway; plus strand). Cytogenetic location: 5q22.2.
Variant type: single nucleotide variant.
Coding change: c.645+1468C>A on transcript NM_000038.6 (MANE Select); 1468 bases into the intron after coding-DNA position 645, C replaced by A.
Molecular consequence: intron variant.
Genome position (GRCh38, 1-based): chr5:112,782,371, C>A. VCF-style: chr5-112782371-C-A. GRCh37 (hg19) VCF-style: chr5-112118068-C-A.
Other names: c.645+1468C>A (NM_001354895.2, NM_001127510.3, NM_001354896.2 and 2 more transcripts); c.675+1468C>A (NM_001354897.2, NM_001354902.2, NM_001127511.3); c.570+1468C>A (NM_001354898.2, NM_001354904.2); c.-391+1468C>A (NM_001354906.2); c.468+1468C>A (NM_001354900.2, NM_001354901.2, NM_001354905.2).
Identifiers: ClinVar variation 82947 (VCV000082947.2), dbSNP rs74393582, ClinGen allele CA011240.